The following is an entry in ClinVar:

NM_177433.3(MAGED2):c.1166-2A>G

Gene: MAGED2 (MAGE family member D2; plus strand). Cytogenetic location: Xp11.21.
Variant type: single nucleotide variant.
Coding change: c.1166-2A>G on transcript NM_177433.3 (MANE Select); the canonical splice acceptor site of the intron before coding-DNA position 1166, A replaced by G.
Molecular consequence: splice acceptor variant.
Genome position (GRCh38, 1-based): chrX:54,813,116, A>G. VCF-style: chrX-54813116-A-G. GRCh37 (hg19) VCF-style: chrX-54839549-A-G.
Other names: c.1166-2A>G (NM_014599.6, NM_201222.3).
Identifiers: ClinVar variation 3363630 (VCV003363630.1).

ClinVar aggregate classification (germline): Uncertain significance (1 of 4 stars; one submission).

Submission:

GeneDx
Classification: Uncertain significance. Last evaluated: 2023-11-03. Review status: criteria provided, single submitter. Criteria: GeneDx Variant Classification Process June 2021. Collection method: clinical testing. Allele origin: germline. Affected: yes.
Comment: Not observed at significant frequency in large population cohorts (gnomAD); Canonical splice site variant in a gene or region of a gene for which loss of function is not a well-established mechanism of disease; Has not been previously published as pathogenic or benign to our knowledge